The following is an entry in ClinVar:

ClinVar aggregate classification (germline): Uncertain significance (1 of 4 stars; one submission).

Conditions:
Left-right axis malformations. Identifiers: MedGen C1866091.

Allele frequency attached by ClinVar (database versions not stated): gnomAD 0.00001; gnomAD exomes 0.00001; TOPMed 0.00001.
gnomAD v4.1: 14 of 1,613,564 alleles (0.00087%); highest among the groups gnomAD compares: South Asian, 0.0044%; no homozygotes.

Submission:

Labcorp Genetics (formerly Invitae), Labcorp
Classification: Uncertain significance for Left-right axis malformations. Last evaluated: 2023-12-28. Review status: criteria provided, single submitter. Criteria: Invitae Variant Classification Sherloc (09022015). Collection method: clinical testing. Allele origin: germline.
Comment: This sequence change replaces arginine, which is basic and polar, with cysteine, which is neutral and slightly polar, at codon 67 of the LEFTY2 protein (p.Arg67Cys). This variant is present in population databases (no rsID available, gnomAD 0.003%). This variant has not been reported in the literature in individuals affected with LEFTY2-related conditions. Advanced modeling of protein sequence and biophysical properties (such as structural, functional, and spatial information, amino acid conservation, physicochemical variation, residue mobility, and thermodynamic stability) has been performed at Invitae for this missense variant, however the output from this modeling did not meet the statistical confidence thresholds required to predict the impact of this variant on LEFTY2 protein function. In summary, the available evidence is currently insufficient to determine the role of this variant in disease. Therefore, it has been classified as a Variant of Uncertain Significance.

NM_003240.5(LEFTY2):c.199C>T (p.Arg67Cys)

Gene: LEFTY2 (left-right determination factor 2; minus strand). Cytogenetic location: 1q42.12.
Variant type: single nucleotide variant.
Coding change: c.199C>T on transcript NM_003240.5 (MANE Select); coding-DNA position 199, C replaced by T.
Protein change: p.Arg67Cys; replaces arginine 67 with cysteine.
Molecular consequence: missense variant.
Genome position (GRCh38, 1-based): chr1:225,940,942, G>A on the plus strand (C>T on the coding strand, the complement: LEFTY2 is on the minus strand). VCF-style: chr1-225940942-G-A. GRCh37 (hg19) VCF-style: chr1-226128642-G-A.
Other names: c.199C>T, p.Arg67Cys (NM_001172425.3); short protein forms R67C.
Identifiers: ClinVar variation 2886548 (VCV002886548.3), dbSNP rs1226481336, ClinGen allele CA345018594.